The following is an entry in ClinVar:

ClinVar aggregate classification (germline): Likely pathogenic (1 of 4 stars; one submission).

Conditions:
Multiple acyl-CoA dehydrogenase deficiency (MADD). Also called: Glutaric acidemia type II; GA 2; Glutaric aciduria, type 2; ETHYLMALONIC-ADIPICACIDURIA; GA II; Glutaric Acidemia type 2. Identifiers: Orphanet 26791, MedGen C0268596, MONDO:0009282, OMIM 231680.

gnomAD v4.1: 3 of 1,612,580 alleles (0.00019%); highest among the groups gnomAD compares: Non-Finnish European, 0.00025%; no homozygotes.

Submission:

Labcorp Genetics (formerly Invitae), Labcorp
Classification: Likely pathogenic for Multiple acyl-CoA dehydrogenase deficiency. Last evaluated: 2022-06-17. Review status: criteria provided, single submitter. Criteria: Invitae Variant Classification Sherloc (09022015). Collection method: clinical testing. Allele origin: germline.
Comment: Advanced modeling of protein sequence and biophysical properties (such as structural, functional, and spatial information, amino acid conservation, physicochemical variation, residue mobility, and thermodynamic stability) performed at Invitae indicates that this missense variant is expected to disrupt ETFDH protein function. In summary, the currently available evidence indicates that the variant is pathogenic, but additional data are needed to prove that conclusively. Therefore, this variant has been classified as Likely Pathogenic. This variant disrupts the p.Trp445 amino acid residue in ETFDH. Other variant(s) that disrupt this residue have been determined to be pathogenic (PMID: 28468868; Invitae). This suggests that this residue is clinically significant, and that variants that disrupt this residue are likely to be disease-causing. This variant has not been reported in the literature in individuals affected with ETFDH-related conditions. This variant is not present in population databases (gnomAD no frequency). This sequence change replaces tryptophan, which is neutral and slightly polar, with cysteine, which is neutral and slightly polar, at codon 445 of the ETFDH protein (p.Trp445Cys).

Literature cited by the submitters: PubMed 28468868.

NM_004453.4(ETFDH):c.1335G>C (p.Trp445Cys)

Gene: ETFDH (electron transfer flavoprotein dehydrogenase; plus strand). Cytogenetic location: 4q32.1.
Variant type: single nucleotide variant.
Coding change: c.1335G>C on transcript NM_004453.4 (MANE Select); coding-DNA position 1335, G replaced by C.
Protein change: p.Trp445Cys; replaces tryptophan 445 with cysteine.
Molecular consequence: missense variant.
Genome position (GRCh38, 1-based): chr4:158,706,238, G>C. VCF-style: chr4-158706238-G-C. GRCh37 (hg19) VCF-style: chr4-159627390-G-C.
Other names: c.1194G>C, p.Trp398Cys (NM_001281737.2); c.1152G>C, p.Trp384Cys (NM_001281738.1); short protein forms W384C, W398C, W445C.
Identifiers: ClinVar variation 2004134 (VCV002004134.4), dbSNP rs2476731972, ClinGen allele CA358563823.